The following is an entry in ClinVar:

ClinVar aggregate classification (germline): Conflicting classifications of pathogenicity. Review status: criteria provided, conflicting classifications (1 of 4 stars). 4 submissions from 4 submitters: Uncertain significance (1); Likely benign (3). Last evaluated 2026-02-04.

Conditions:
Joubert syndrome. Also called: JOUBERT-BOLTSHAUSER SYNDROME; Familial aplasia of the vermis. Identifiers: Orphanet 475, MedGen C5979921, MONDO:0018772.
Joubert syndrome 1 (JBTS1). Also called: CEREBELLOPARENCHYMAL DISORDER IV; Cerebellooculorenal syndrome 1. Identifiers: MedGen C4551568, MONDO:0008944, OMIM 213300.

Allele frequency attached by ClinVar (database versions not stated): gnomAD exomes 0.00004; ExAC 0.00005; TOPMed 0.00005; gnomAD 0.00006; ESP Exome Variant Server 0.00008.
gnomAD v4.1: 91 of 1,548,176 alleles (0.0059%); highest among the groups gnomAD compares: Non-Finnish European, 0.0075%; no homozygotes.

Submissions (4):

Labcorp Genetics (formerly Invitae), Labcorp
Classification: Likely benign for Joubert syndrome. Last evaluated: 2026-02-04. Review status: criteria provided, single submitter. Criteria: Invitae Variant Classification Sherloc (09022015). Collection method: clinical testing. Allele origin: germline.

Blueprint Genetics
Classification: Likely benign. Last evaluated: 2024-06-14. Review status: criteria provided, single submitter. Criteria: ACMG Guidelines, 2015. Collection method: clinical testing. Allele origin: germline.

Illumina Laboratory Services, Illumina
Classification: Uncertain significance for Joubert syndrome 1. Last evaluated: 2018-01-12. Review status: criteria provided, single submitter. Criteria: ICSL Variant Classification Criteria 13 December 2019. Collection method: clinical testing. Allele origin: germline.

GeneDx
Classification: Likely benign. Last evaluated: 2017-06-21. Review status: criteria provided, single submitter. Criteria: GeneDx Variant Classification (06012015). Collection method: clinical testing. Allele origin: germline. Affected: yes.
Comment: This variant is considered likely benign or benign based on one or more of the following criteria: it is a conservative change, it occurs at a poorly conserved position in the protein, it is predicted to be benign by multiple in silico algorithms, and/or has population frequency not consistent with disease.

NM_019892.6(INPP5E):c.1380C>T (p.Ser460=)

Gene: INPP5E (inositol polyphosphate-5-phosphatase E; minus strand). Cytogenetic location: 9q34.3.
Variant type: single nucleotide variant.
Coding change: c.1380C>T on transcript NM_019892.6 (MANE Select); coding-DNA position 1380, C replaced by T.
Protein change: p.Ser460=; no amino-acid change (serine 460 retained).
Molecular consequence: synonymous variant.
Genome position (GRCh38, 1-based): chr9:136,432,486, G>A on the plus strand (C>T on the coding strand, the complement: INPP5E is on the minus strand). VCF-style: chr9-136432486-G-A. GRCh37 (hg19) VCF-style: chr9-139326938-G-A.
Other names: c.1377C>T, p.Ser459= (NM_001318502.2).
Identifiers: ClinVar variation 365884 (VCV000365884.14), dbSNP rs145543466, ClinGen allele CA5336833.